The following is an entry in ClinVar:

ClinVar aggregate classification (germline): Likely benign (1 of 4 stars; one submission).

Conditions:
Amyotrophic lateral sclerosis type 6. Also called: FUS-Related Amyotrophic Laterial Sclerosis; AMYOTROPHIC LATERAL SCLEROSIS 6 WITHOUT FRONTOTEMPORAL DEMENTIA; Amyotrophic lateral sclerosis 6, with or without frontotemporal dementia. Identifiers: Orphanet 275872, Orphanet 803, MedGen C2931786, MONDO:0011951, OMIM 608030.

Allele frequency attached by ClinVar (database versions not stated): gnomAD exomes 0.00305 and 0.00322; ExAC 0.00158; 1000 Genomes Project 30x 0.00359; gnomAD 0.00277 and 0.00325; 1000 Genomes Project 0.00319; TOPMed 0.00368.
gnomAD v4.1: 1,722 of 527,936 alleles (0.33%); highest among the groups gnomAD compares: Admixed American, 0.58%; 8 homozygotes.

Submission:

Illumina Laboratory Services, Illumina
Classification: Likely benign for Amyotrophic lateral sclerosis type 6. Last evaluated: 2018-01-12. Review status: criteria provided, single submitter. Criteria: ICSL Variant Classification Criteria 13 December 2019. Collection method: clinical testing. Allele origin: germline.
Comment: This variant was observed in the ICSL laboratory as part of a predisposition screen in an ostensibly healthy population. It had not been previously curated by ICSL or reported in the Human Gene Mutation Database (HGMD: prior to June 1st, 2018), and was therefore a candidate for classification through an automated scoring system. Utilizing variant allele frequency, disease prevalence and penetrance estimates, and inheritance mode, an automated score was calculated to assess if this variant is too frequent to cause the disease. Based on the score and internal cut-off values, a variant classified as likely benign is not then subjected to further curation. The score for this variant resulted in a classification of likely benign for this disease.

NM_004960.3(FUS):c.*1992A>C

Gene: FUS (FUS DNA/RNA binding protein; plus strand). Cytogenetic location: 16p11.2.
Variant type: single nucleotide variant.
Coding change: c.*1992A>C on transcript NM_004960.3; 1992 bases downstream of the stop codon, A replaced by C.
Molecular consequence: 3 prime UTR variant (on NM_001170634.1). On other transcripts: non-coding transcript variant (1).
Genome position (GRCh38, 1-based): chr16:31,193,430, A>C. VCF-style: chr16-31193430-A-C. GRCh37 (hg19) VCF-style: chr16-31204751-A-C.
Other names: c.*1992A>C (NM_001170634.1, NM_001170937.1).
Identifiers: ClinVar variation 319032 (VCV000319032.7), dbSNP rs146490489, ClinGen allele CA8024290.
Genomic context (GRCh38, chr16:31,193,430, plus strand): 5'-AGTTCTCTCCGTCCCTGCCACTGCTGGTTTCTTTGTTAAATGTTTAGTTGAAATGGCCTG[A>C]TACGATATTTGAGTAGTTCACTGTTGGTGCTTTGCCTAGCAGGATTCTAATCTTGCTTTG-3'